The following is an entry in ClinVar:

NM_000191.3(HMGCL):c.863T>A (p.Leu288Ter)

Gene: HMGCL (3-hydroxy-3-methylglutaryl-CoA lyase; minus strand). Cytogenetic location: 1p36.11.
Variant type: single nucleotide variant.
Coding change: c.863T>A on transcript NM_000191.3 (MANE Select); coding-DNA position 863, T replaced by A.
Protein change: p.Leu288Ter; replaces leucine 288 with a stop codon.
Molecular consequence: nonsense.
Genome position (GRCh38, 1-based): chr1:23,804,413, A>T on the plus strand (T>A on the coding strand, the complement: HMGCL is on the minus strand). VCF-style: chr1-23804413-A-T. GRCh37 (hg19) VCF-style: chr1-24130903-A-T.
Other names: c.650T>A, p.Leu217Ter (NM_001166059.2); short protein forms L288*, L217*.
Identifiers: ClinVar variation 552798 (VCV000552798.3), dbSNP rs1425615804, ClinGen allele CA339020852.
Genomic context (GRCh38, chr1:23,804,413, plus strand): 5'-CCCTGGTCAGTTCGGGGCTGTCGCCACCAGGGGGTGGGTGGGCTTACCGTGTGAATGCCC[A>T]AGCCCTCTAGCATGTAGACCAGGTCTTCTGTGGCCAAGTTTCCTGATGCCCCCTGTGCGT-3'

ClinVar aggregate classification (germline): Pathogenic. Review status: criteria provided, single submitter (1 of 4 stars). 2 submissions from 2 submitters: Pathogenic (1). 1 of the submissions does not count toward it. Last evaluated 2025-04-02.

Conditions:
Deficiency of hydroxymethylglutaryl-CoA lyase (HMGCLD). Also called: HMGCL DEFICIENCY; HYDROXYMETHYLGLUTARIC ACIDURIA; HMG-CoA LYASE DEFICIENCY; Defect in leucine metabolism; 3-hydroxy-3-methylglutaric aciduria. Identifiers: Orphanet 20, MedGen C1533587, MONDO:0009520, OMIM 246450.

Allele frequency attached by ClinVar (database versions not stated): TOPMed below 0.00001; gnomAD 0.00001.
gnomAD v4.1: 1 of 1,614,108 alleles (0.000062%); highest among the groups gnomAD compares: African/African-American, 0.0013%; no homozygotes.

Submissions (2):

Myriad Genetics, Inc.
Classification: Pathogenic for Deficiency of hydroxymethylglutaryl-CoA lyase. Last evaluated: 2025-04-02. Review status: criteria provided, single submitter. Criteria: Myriad Autosomal Dominant, Autosomal Recessive and X-Linked Classification Criteria (2023). Collection method: clinical testing. Allele origin: unknown.
Comment: NM_000191.2(HMGCL):c.863T>A(L288*) is a nonsense variant classified as pathogenic in the context of HMG-CoA lyase deficiency. L288* has not been observed in cases with relevant disease. Relevant functional assessments of this variant are not available in the literature. L288* has not been observed in referenced population frequency databases. In summary, NM_000191.2(HMGCL):c.863T>A(L288*) is a nonsense variant in a gene where loss of function is a known mechanism of disease and is predicted to disrupt protein function. Please note: this variant was assessed in the context of healthy population screening.

Counsyl
Classification: Likely pathogenic for Deficiency of hydroxymethylglutaryl-CoA lyase. Last evaluated: 2017-07-07. Review status: no assertion criteria provided. Collection method: clinical testing. Allele origin: unknown. Not counted in ClinVar's aggregate classification.